The following is an entry in ClinVar:

ClinVar aggregate classification (germline): Benign/Likely benign. Review status: criteria provided, multiple submitters, no conflicts (2 of 4 stars). 12 submissions from 12 submitters: Benign (3); Likely benign (5). 4 of the submissions do not count toward it. Last evaluated 2026-08-01.

Conditions:
Becker muscular dystrophy (BMD). Also called: Becker Muscular Dystrophy (BMD); MUSCULAR DYSTROPHY, PSEUDOHYPERTROPHIC PROGRESSIVE, BECKER TYPE. Identifiers: Orphanet 98895, MedGen C0917713, MONDO:0010311, OMIM 300376.
Cardiomyopathy (CMYO). Also called: Cardiomyopathies. Identifiers: Orphanet 167848, MedGen C0878544, MONDO:0004994, HP:0001638. Inheritance: Various modes of inheritance.
Duchenne muscular dystrophy (DMD). Also called: Duchenne Muscular Dystrophy (DMD); MUSCULAR DYSTROPHY, PSEUDOHYPERTROPHIC PROGRESSIVE, DUCHENNE TYPE. Identifiers: Orphanet 98896, MedGen C0013264, MONDO:0010679, OMIM 310200.
Dystrophin deficiency.
Cardiovascular phenotype. Identifiers: MedGen CN230736.
Dilated cardiomyopathy 3B (CMD3B). Also called: CMD3B: DMD-Related Dilated Cardiomyopathy; CARDIOMYOPATHY, DILATED, X-LINKED; DMD-Associated Dilated Cardiomyopathy. Identifiers: Orphanet 154, MedGen C3668940, MONDO:0010542, OMIM 302045.

Allele frequency attached by ClinVar (database versions not stated): gnomAD exomes 0.00008 and 0.00022; gnomAD 0.00015 and 0.00016; TOPMed 0.00019; 1000 Genomes Project 30x 0.00021; ExAC 0.00024; 1000 Genomes Project 0.00026.
gnomAD v4.1: 176 of 1,209,575 alleles (0.015%); highest among the groups gnomAD compares: East Asian, 0.29%; no homozygotes.

Submissions (12):

CeGaT Center for Human Genetics Tuebingen
Classification: Likely benign. Last evaluated: 2026-08-01. Review status: criteria provided, single submitter. Criteria: CeGaT Center For Human Genetics Tuebingen Variant Classification Criteria Version 2. Collection method: clinical testing. Allele origin: germline. Affected: yes. Observed: 1 variant allele.
Comment: DMD: BP4, BP7, BS2

Labcorp Genetics (formerly Invitae), Labcorp
Classification: Benign for Duchenne muscular dystrophy. Last evaluated: 2026-01-28. Review status: criteria provided, single submitter. Criteria: Invitae Variant Classification Sherloc (09022015). Collection method: clinical testing. Allele origin: germline.

Blueprint Genetics
Classification: Likely benign. Last evaluated: 2024-11-25. Review status: criteria provided, single submitter. Criteria: ACMG Guidelines, 2015. Collection method: clinical testing. Allele origin: germline.

Women's Health and Genetics/Laboratory Corporation of America, LabCorp
Classification: Benign. Last evaluated: 2021-01-22. Review status: criteria provided, single submitter. Criteria: LabCorp Variant Classification Summary - May 2015. Collection method: clinical testing. Allele origin: germline.

GeneDx
Classification: Benign. Last evaluated: 2020-06-22. Review status: criteria provided, single submitter. Criteria: GeneDx Variant Classification Process June 2021. Collection method: clinical testing. Allele origin: germline. Affected: yes.

Eurofins Ntd Llc (ga)
Classification: Likely benign. Last evaluated: 2018-05-18. Review status: criteria provided, single submitter. Criteria: EGL ClinVar v180209 classification definitions. Collection method: clinical testing. Allele origin: germline. Observed: 1 variant allele, 1 heterozygote.

Illumina Laboratory Services, Illumina
Classification: Likely benign for Dilated cardiomyopathy 3B. Last evaluated: 2018-01-13. Review status: criteria provided, single submitter. Criteria: ICSL Variant Classification Criteria 13 December 2019. Collection method: clinical testing. Allele origin: germline.
Comment: This variant was observed in the ICSL laboratory as part of a predisposition screen in an ostensibly healthy population. It had not been previously curated by ICSL or reported in the Human Gene Mutation Database (HGMD: prior to June 1st, 2018), and was therefore a candidate for classification through an automated scoring system. Utilizing variant allele frequency, disease prevalence and penetrance estimates, and inheritance mode, an automated score was calculated to assess if this variant is too frequent to cause the disease. Based on the score and internal cut-off values, a variant classified as likely benign is not then subjected to further curation. The score for this variant resulted in a classification of likely benign for this disease.

Ambry Genetics
Classification: Likely benign for Cardiovascular phenotype. Last evaluated: 2016-01-06. Review status: criteria provided, single submitter. Criteria: Ambry Variant Classification Scheme 2023. Collection method: clinical testing. Allele origin: germline.

Natera, Inc.
Classification: Likely benign for Becker muscular dystrophy; Cardiomyopathy; Duchenne muscular dystrophy; Dystrophin deficiency. Last evaluated: 2017-11-17. Review status: no assertion criteria provided. Collection method: clinical testing. Allele origin: germline. Not counted in ClinVar's aggregate classification.

Clinical Genetics DNA and cytogenetics Diagnostics Lab, Erasmus MC, Erasmus Medical Center
Classification: Likely benign. Review status: no assertion criteria provided. Collection method: clinical testing. Allele origin: germline. Affected: yes. Study: VKGL Data-share Consensus. Not counted in ClinVar's aggregate classification.

Diagnostic Laboratory, Department of Genetics, University Medical Center Groningen
Classification: Likely benign. Review status: no assertion criteria provided. Collection method: clinical testing. Allele origin: germline. Affected: yes. Study: VKGL Data-share Consensus. Not counted in ClinVar's aggregate classification.

Genome Diagnostics Laboratory, University Medical Center Utrecht
Classification: Likely benign. Review status: no assertion criteria provided. Collection method: clinical testing. Allele origin: germline. Affected: yes. Study: VKGL Data-share Consensus. Not counted in ClinVar's aggregate classification.

NM_004006.3(DMD):c.9486G>A (p.Glu3162=)

Gene: DMD (dystrophin; minus strand). Cytogenetic location: Xp21.2.
Variant type: single nucleotide variant.
Coding change: c.9486G>A on transcript NM_004006.3 (MANE Select); coding-DNA position 9486, G replaced by A.
Protein change: p.Glu3162=; no amino-acid change (glutamic acid 3162 retained).
Molecular consequence: synonymous variant.
Genome position (GRCh38, 1-based): chrX:31,209,575, C>T on the plus strand (G>A on the coding strand, the complement: DMD is on the minus strand). VCF-style: chrX-31209575-C-T. GRCh37 (hg19) VCF-style: chrX-31227692-C-T.
Other names: c.9462G>A, p.Glu3154= (NM_000109.4); c.9474G>A, p.Glu3158= (NM_004009.3); c.9117G>A, p.Glu3039= (NM_004010.3); c.5463G>A, p.Glu1821= (NM_004011.4); c.5454G>A, p.Glu1818= (NM_004012.4); c.2106G>A, p.Glu702= (NM_004013.3, NM_004020.4, NM_004021.3 and 2 more transcripts); c.1299G>A, p.Glu433= (NM_004014.3); c.282G>A, p.Glu94= (NM_004015.3, NM_004016.3, NM_004017.3 and 2 more transcripts).
Identifiers: ClinVar variation 239614 (VCV000239614.44), dbSNP rs370724251, ClinGen allele CA10377799.